The following is an entry in ClinVar:

NM_001083961.2(WDR62):c.3936dup (p.Val1313fs)

Gene: WDR62 (WD repeat domain 62; plus strand). Cytogenetic location: 19q13.12.
Variant type: Duplication.
Coding change: c.3936dup on transcript NM_001083961.2 (MANE Select); coding-DNA position 3936, one base duplicated (C; older notation c.3936dupC).
Protein change: p.Val1313fs; shifts the reading frame from valine 1313.
Molecular consequence: frameshift variant.
Genome position (GRCh38, 1-based): chr19:36,103,764, C duplicated; the last of 6 consecutive C bases (chr19:36,103,759-36,103,764); duplicating any one gives the same sequence. VCF-style (leftmost placement, unchanged base first): chr19-36103758-G-GC. GRCh37 (hg19) VCF-style: chr19-36594660-G-GC.
Other names: c.3921dup, p.Val1308fs (NM_173636.5); short protein forms V1308fs, V1313fs.
Identifiers: ClinVar variation 31038 (VCV000031038.4), dbSNP rs587776900, ClinGen allele CA259977.

ClinVar aggregate classification (germline): Pathogenic. Review status: criteria provided, multiple submitters, no conflicts (2 of 4 stars). 3 submissions from 3 submitters: Pathogenic (2). 1 of the submissions does not count toward it. Last evaluated 2022-12-20.

Conditions:
Microcephaly 2, primary, autosomal recessive, with or without cortical malformations. Also called: WDR62 Primary Microcephaly; MICROCEPHALY 2, PRIMARY, AUTOSOMAL RECESSIVE, WITH CORTICAL MALFORMATIONS. Identifiers: Orphanet 2512, MedGen C1858535, MONDO:0011435, OMIM 604317.

Submissions (3):

GeneDx
Classification: Pathogenic. Last evaluated: 2022-12-20. Review status: criteria provided, single submitter. Criteria: GeneDx Variant Classification Process June 2021. Collection method: clinical testing. Allele origin: germline. Affected: yes.
Comment: Frameshift variant predicted to result in protein truncation or nonsense mediated decay in a gene for which loss of function is a known mechanism of disease; Not observed at significant frequency in large population cohorts (gnomAD); This variant is associated with the following publications: (PMID: 31589614, 21961505, 31258591, 33921653, 33937237, 24228726, 25303973, 35726608, 21496009, 34402213, 20890279, 32677750, 20890278)

Child Neurology Department, Hôpital Universitaire de Bruxelles
Classification: Pathogenic for Microcephaly 2, primary, autosomal recessive, with or without cortical malformations. Last evaluated: 2020-01-01. Review status: criteria provided, single submitter. Criteria: ACMG Guidelines, 2015. Collection method: clinical testing. Allele origin: inherited. Affected: yes.

OMIM
Classification: Pathogenic for MICROCEPHALY 2, PRIMARY, AUTOSOMAL RECESSIVE, WITH CORTICAL MALFORMATIONS. Last evaluated: 2010-11-01. Review status: no assertion criteria provided. Collection method: literature only. Allele origin: germline. Not counted in ClinVar's aggregate classification.

Literature cited by the submitters: PubMed 20890278 (cited by OMIM); PubMed 20890279 (cited by OMIM).